The following is an entry in ClinVar:

ClinVar aggregate classification (germline): Uncertain significance. Review status: criteria provided, multiple submitters, no conflicts (2 of 4 stars). 2 submissions from 2 submitters: Uncertain significance (2). Last evaluated 2024-11-22.

gnomAD v4.1: 1 of 1,543,568 alleles (0.000065%); highest among the groups gnomAD compares: Non-Finnish European, 0.000087%; no homozygotes.

Submissions (2):

Blueprint Genetics
Classification: Uncertain significance. Last evaluated: 2024-11-22. Review status: criteria provided, single submitter. Criteria: ACMG Guidelines, 2015. Collection method: clinical testing. Allele origin: germline.

Labcorp Genetics (formerly Invitae), Labcorp
Classification: Uncertain significance. Last evaluated: 2022-08-30. Review status: criteria provided, single submitter. Criteria: Invitae Variant Classification Sherloc (09022015). Collection method: clinical testing. Allele origin: germline.
Comment: This sequence change replaces arginine, which is basic and polar, with histidine, which is basic and polar, at codon 178 of the UMOD protein (p.Arg178His). This variant is not present in population databases (gnomAD no frequency). This variant has not been reported in the literature in individuals affected with UMOD-related conditions. Algorithms developed to predict the effect of missense changes on protein structure and function output the following: SIFT: "Deleterious"; PolyPhen-2: "Benign"; Align-GVGD: "Class C0". The histidine amino acid residue is found in multiple mammalian species, which suggests that this missense change does not adversely affect protein function. This variant disrupts the p.Arg178 amino acid residue in UMOD. Other variant(s) that disrupt this residue have been determined to be pathogenic (PMID: 29212948; Invitae). This suggests that this residue is clinically significant, and that variants that disrupt this residue are likely to be disease-causing. In summary, the available evidence is currently insufficient to determine the role of this variant in disease. Therefore, it has been classified as a Variant of Uncertain Significance.

Literature cited by the submitters: PubMed 29212948 (cited by Labcorp Genetics (formerly Invitae), Labcorp).

NM_003361.4(UMOD):c.533G>A (p.Arg178His)

Gene: UMOD (uromodulin; minus strand). Cytogenetic location: 16p12.3.
Variant type: single nucleotide variant.
Coding change: c.533G>A on transcript NM_003361.4 (MANE Select); coding-DNA position 533, G replaced by A.
Protein change: p.Arg178His; replaces arginine 178 with histidine.
Molecular consequence: missense variant. On other transcripts: non-coding transcript variant (1).
Genome position (GRCh38, 1-based): chr16:20,348,768, C>T on the plus strand (G>A on the coding strand, the complement: UMOD is on the minus strand). VCF-style: chr16-20348768-C-T. GRCh37 (hg19) VCF-style: chr16-20360090-C-T.
Other names: c.533G>A, p.Arg178His (NM_001008389.3, NM_001378232.1, NM_001378233.1 and 3 more transcripts); c.632G>A, p.Arg211His (NM_001278614.2); short protein forms R211H, R178H.
Identifiers: ClinVar variation 1965642 (VCV001965642.6), dbSNP rs1228791562, ClinGen allele CA394985571.
Genomic context (GRCh38, chr16:20,348,768, plus strand): 5'-TCCGTGTCGCAGGCGTAGCCCTCCCCGTACTCGGTGCTGCGCCAGTACTCGTCCAGGGTG[C>T]GGTGCGCCTGGCACGGATCCGCGCACACGAGCGCGTCGCCCTCGGGCACGCAGTCCAACC-3'
Protein context (NP_003352.2, residues 168-188): LVCADPCQAH[Arg178His]TLDEYWRSTE